The following is an entry in ClinVar:

ClinVar aggregate classification (germline): Uncertain significance. Review status: criteria provided, multiple submitters, no conflicts (2 of 4 stars). 2 submissions from 2 submitters: Uncertain significance (2). Last evaluated 2023-01-25.

Conditions:
Autosomal recessive limb-girdle muscular dystrophy type 2A (LGMDR1). Also called: Limb-girdle muscular dystrophy, type 2A; Calpainopathy; Muscular dystrophy, limb-girdle, type 2A, Amish; LEYDEN-MOEBIUS MUSCULAR DYSTROPHY; MUSCULAR DYSTROPHY, PELVOFEMORAL. Identifiers: Orphanet 267, MedGen C1869123, MONDO:0009675, OMIM 253600. Disease mechanism: loss of function.

Submissions (2):

GeneDx
Classification: Uncertain significance. Last evaluated: 2023-01-25. Review status: criteria provided, single submitter. Criteria: GeneDx Variant Classification Process June 2021. Collection method: clinical testing. Allele origin: germline. Affected: yes.
Comment: Not observed at significant frequency in large population cohorts (gnomAD); In silico analysis supports that this missense variant does not alter protein structure/function; Has not been previously published as pathogenic or benign to our knowledge

Labcorp Genetics (formerly Invitae), Labcorp
Classification: Uncertain significance for Autosomal recessive limb-girdle muscular dystrophy type 2A. Last evaluated: 2021-09-02. Review status: criteria provided, single submitter. Criteria: Invitae Variant Classification Sherloc (09022015). Collection method: clinical testing. Allele origin: germline.

NM_000070.3(CAPN3):c.2080C>G (p.Leu694Val)

Gene: CAPN3 (calpain 3; plus strand). Cytogenetic location: 15q15.1.
Variant type: single nucleotide variant.
Coding change: c.2080C>G on transcript NM_000070.3 (MANE Select); coding-DNA position 2080, C replaced by G.
Protein change: p.Leu694Val; replaces leucine 694 with valine.
Molecular consequence: missense variant.
Genome position (GRCh38, 1-based): chr15:42,409,960, C>G. VCF-style: chr15-42409960-C-G. GRCh37 (hg19) VCF-style: chr15-42702158-C-G.
Other names: c.2062C>G, p.Leu688Val (NM_024344.2); c.1804C>G, p.Leu602Val (NM_173087.2); c.544C>G, p.Leu182Val (NM_173088.2); c.85C>G, p.Leu29Val (NM_173089.2, NM_173090.2); c.2080C>G (NM_000070.2); short protein forms L602V, L694V, L688V, L182V, L29V.
Identifiers: ClinVar variation 1045091 (VCV001045091.5), dbSNP rs2054156832, ClinGen allele CA392001517.